The following is an entry in ClinVar:

NM_001174150.2(ARL13B):c.1250A>C (p.Gln417Pro)

Gene: ARL13B (ARF like GTPase 13B; plus strand). Cytogenetic location: 3q11.2.
Variant type: single nucleotide variant.
Coding change: c.1250A>C on transcript NM_001174150.2 (MANE Select); coding-DNA position 1250, A replaced by C.
Protein change: p.Gln417Pro; replaces glutamine 417 with proline.
Molecular consequence: missense variant. On other transcripts: non-coding transcript variant (2).
Genome position (GRCh38, 1-based): chr3:94,053,226, A>C. VCF-style: chr3-94053226-A-C. GRCh37 (hg19) VCF-style: chr3-93772070-A-C.
Other names: c.941A>C, p.Gln314Pro (NM_001174151.2); c.1205A>C, p.Gln402Pro (NM_001321328.2); c.1181A>C, p.Gln394Pro (NM_001410782.1); c.929A>C, p.Gln310Pro (NM_144996.4); c.1250A>C, p.Gln417Pro (NM_182896.3); short protein forms Q314P, Q394P, Q310P, Q402P, Q417P.
Identifiers: ClinVar variation 2201007 (VCV002201007.2), dbSNP rs754535814, ClinGen allele CA2504324.

ClinVar aggregate classification (germline): Uncertain significance (1 of 4 stars; one submission).

Conditions:
Joubert syndrome 8 (JBTS8). Identifiers: Orphanet 475, MedGen C2676771, MONDO:0012855, OMIM 612291.

Allele frequency attached by ClinVar (database versions not stated): gnomAD exomes 0.00001; ExAC 0.00003; TOPMed 0.00005.
gnomAD v4.1: 15 of 1,613,340 alleles (0.00093%); highest among the groups gnomAD compares: Admixed American, 0.025%; no homozygotes.

Submission:

Labcorp Genetics (formerly Invitae), Labcorp
Classification: Uncertain significance for Joubert syndrome 8. Last evaluated: 2025-09-02. Review status: criteria provided, single submitter. Criteria: Invitae Variant Classification Sherloc (09022015). Collection method: clinical testing. Allele origin: germline.
Comment: This sequence change replaces glutamine, which is neutral and polar, with proline, which is neutral and non-polar, at codon 417 of the ARL13B protein (p.Gln417Pro). This variant is present in population databases (rs754535814, gnomAD 0.04%). This variant has not been reported in the literature in individuals affected with ARL13B-related conditions. ClinVar contains an entry for this variant (Variation ID: 2201007). An algorithm developed to predict the effect of missense changes on protein structure and function (PolyPhen-2) suggests that this variant is likely to be tolerated. In summary, the available evidence is currently insufficient to determine the role of this variant in disease. Therefore, it has been classified as a Variant of Uncertain Significance.